The following is an entry in ClinVar:

ClinVar aggregate classification (germline): Uncertain significance (1 of 4 stars; one submission).

Conditions:
Radio-Tartaglia syndrome. Identifiers: Orphanet 662234, MedGen C5543339, MONDO:0859143, OMIM 619312.

Submission:

Juno Genomics, Hangzhou Juno Genomics, Inc
Classification: Uncertain significance for Radio-Tartaglia syndrome. Review status: criteria provided, single submitter. Criteria: ACMG Guidelines, 2015. Collection method: clinical testing. Allele origin: germline.
Comment: Absent from controls (or at extremely low frequency if recessive) in Genome Aggregation Database.;Missense variant in a gene that has a low rate of benign missense variation.

NM_015001.3(SPEN):c.10865C>T (p.Pro3622Leu)

Gene: SPEN (spen family transcriptional repressor; plus strand). Cytogenetic location: 1p36.13.
Variant type: single nucleotide variant.
Coding change: c.10865C>T on transcript NM_015001.3 (MANE Select); coding-DNA position 10865, C replaced by T.
Protein change: p.Pro3622Leu; replaces proline 3622 with leucine.
Molecular consequence: missense variant.
Genome position (GRCh38, 1-based): chr1:15,939,297, C>T. VCF-style: chr1-15939297-C-T. GRCh37 (hg19) VCF-style: chr1-16265792-C-T.
Other names: short protein forms P3622L.
Identifiers: ClinVar variation 5005014 (VCV005005014.2).
Genomic context (GRCh38, chr1:15,939,297, plus strand): 5'-AAGTGGAGTTGTGGGGGTGAAGACAGACGGTCCCACTTTGCTCTCTATCCTGTCTCCAGC[C>T]TGCCTACGTGCTGCAGATCTTCCCGCCCTGTGAGTTCTCTGAGAGTCACCTGTCCCGCCT-3'
Protein context (NP_055816.2, residues 3612-3632): INVPNPGSNQ[Pro3622Leu]AYVLQIFPPC